The following is an entry in ClinVar:

ClinVar aggregate classification (germline): Uncertain significance (1 of 4 stars; one submission).

Conditions:
Inborn genetic diseases. Identifiers: MedGen C0950123, MeSH D030342.

Allele frequency attached by ClinVar (database versions not stated): gnomAD exomes below 0.00001.
gnomAD v4.1: 3 of 1,612,938 alleles (0.00019%); highest among the groups gnomAD compares: Non-Finnish European, 0.00017%; no homozygotes.

Submission:

Ambry Genetics
Classification: Uncertain significance for Inborn genetic diseases. Last evaluated: 2024-09-15. Review status: criteria provided, single submitter. Criteria: Ambry Variant Classification Scheme 2023. Collection method: clinical testing. Allele origin: germline.
Comment: The p.P755T variant (also known as c.2263C>A), located in coding exon 19 of the LRRK2 gene, results from a C to A substitution at nucleotide position 2263. The proline at codon 755 is replaced by threonine, an amino acid with highly similar properties. This amino acid position is conserved. In addition, this alteration is predicted to be tolerated by in silico analysis. Since supporting evidence is limited at this time, the clinical significance of this alteration remains unclear.

NM_198578.4(LRRK2):c.2263C>A (p.Pro755Thr)

Gene: LRRK2 (leucine rich repeat kinase 2; plus strand). Cytogenetic location: 12q12.
Variant type: single nucleotide variant.
Coding change: c.2263C>A on transcript NM_198578.4 (MANE Select); coding-DNA position 2263, C replaced by A.
Protein change: p.Pro755Thr; replaces proline 755 with threonine.
Molecular consequence: missense variant.
Genome position (GRCh38, 1-based): chr12:40,283,896, C>A. VCF-style: chr12-40283896-C-A. GRCh37 (hg19) VCF-style: chr12-40677698-C-A.
Other names: short protein forms P755T.
Identifiers: ClinVar variation 1788662 (VCV001788662.3), dbSNP rs1297120608, ClinGen allele CA384406347.